The following is an entry in ClinVar:

ClinVar aggregate classification (germline): Pathogenic (1 of 4 stars; one submission).

Conditions:
Immunodeficiency 18 (IMD18). Also called: CD3-EPSILON DEFICIENCY; CD3epsilon deficiency. Identifiers: MedGen C3810127, MONDO:0014278, OMIM 615615.

Allele frequency attached by ClinVar (database versions not stated): ExAC 0.00001; gnomAD 0.00001.
gnomAD v4.1: 1 of 1,613,682 alleles (0.000062%); highest among the groups gnomAD compares: Non-Finnish European, 0.000085%; no homozygotes.

Submission:

Labcorp Genetics (formerly Invitae), Labcorp
Classification: Pathogenic for Immunodeficiency 18. Last evaluated: 2023-06-28. Review status: criteria provided, single submitter. Criteria: Invitae Variant Classification Sherloc (09022015). Collection method: clinical testing. Allele origin: germline.
Comment: For these reasons, this variant has been classified as Pathogenic. Algorithms developed to predict the effect of sequence changes on RNA splicing suggest that this variant may disrupt the consensus splice site. Studies have shown that disruption of this splice site alters CD3E gene expression (PMID: 24515816). Disruption of this splice site has been observed in individual(s) with severe combined immunodeficiency due to CD3-epsilon deficiency (PMID: 24515816). This variant is not present in population databases (gnomAD no frequency). This sequence change affects a donor splice site in intron 2 of the CD3E gene. It is expected to disrupt RNA splicing. Variants that disrupt the donor or acceptor splice site typically lead to a loss of protein function (PMID: 16199547), and loss-of-function variants in CD3E are known to be pathogenic (PMID: 8490660, 15546002).

Literature cited by the submitters: PubMed 24515816; PubMed 16199547; PubMed 8490660; PubMed 15546002.

NM_000733.4(CD3E):c.49+1G>A

Gene: CD3E (CD3 epsilon subunit of T-cell receptor complex; plus strand). Cytogenetic location: 11q23.3.
Variant type: single nucleotide variant.
Coding change: c.49+1G>A on transcript NM_000733.4 (MANE Select); the canonical splice donor site of the intron after coding-DNA position 49, G replaced by A.
Molecular consequence: splice donor variant.
Genome position (GRCh38, 1-based): chr11:118,305,002, G>A. VCF-style: chr11-118305002-G-A. GRCh37 (hg19) VCF-style: chr11-118175717-G-A.
Identifiers: ClinVar variation 2786487 (VCV002786487.3), dbSNP rs147435007, ClinGen allele CA6301544.
Genomic context (GRCh38, chr11:118,305,002, plus strand): 5'-ATGAAACAAAGATGCAGTCGGGCACTCACTGGAGAGTTCTGGGCCTCTGCCTCTTATCAG[G>A]TGAGTAGGATGGAGTGGAAAGGGTGGTGTGTCTCCAGACCGCTGGAAGGCTTACAGCCTT-3'